The following is an entry in ClinVar:

NM_000548.5(TSC2):c.5068+27_5069-47del

Gene: TSC2 (TSC complex subunit 2; plus strand). Cytogenetic location: 16p13.3.
Variant type: Microsatellite.
Coding change: c.5068+27_5069-47del on transcript NM_000548.5 (MANE Select); 27 bases into the intron after coding-DNA position 5068 through 47 bases into the intron before coding-DNA position 5069, 34 bases deleted.
Molecular consequence: splice donor variant.
Genome position (GRCh38, 1-based): chr16:2,087,968-2,088,001, 34 bases deleted; deleting any 34 consecutive bases within chr16:2,087,924-2,088,001 gives the same sequence; the c. name uses the placement nearest the transcript's 3' end. GRCh37 (hg19), VCF-style position (the base before the change): chr16:2,137,924.
Other names: c.5068+27_5068+60delCAGGAAAGGTAGGGCCGGGTGGGGCCCTGCAGTG (NM_000548.3); c.4999+27_5000-47del (NM_001114382.3); c.4939+27_4940-47del (NM_021055.3, NM_001370405.1); c.4870+27_4871-47del (NM_001363528.2); c.4936+27_4937-47del (NM_001370404.1); c.4867+27_4868-47del (NM_001077183.3); c.4759+27_4760-47del (NM_001318827.2); c.4336+27_4337-47del (NM_001318831.2); and 3 more.
Identifiers: ClinVar variation 65059 (VCV000065059.48), ClinGen allele CA264537.
Genomic context (GRCh38, chr16:2,087,923, plus strand): 5'-GGCCAGTTCAACTTTGTCCACGTGATCGTCACCCCGCTGGACTACGAGTGCAACCTGGTG[TCCCTGCAGTGCAGGAAAGGTAGGGCCGGGTGGGG>T]CCCTGCAGTGCAGGAAAGGTAGGGCCGGGTGGGGCCCTGCAGTGTGGCGCCAAGAGCCCT-3'

ClinVar aggregate classification (germline): Benign/Likely benign. Review status: criteria provided, multiple submitters, no conflicts (2 of 4 stars). 12 submissions from 11 submitters: Benign (4); Likely benign (6). 2 of the submissions do not count toward it. Last evaluated 2026-07-01.

Conditions:
Hereditary cancer-predisposing syndrome. Also called: Tumor predisposition; Neoplastic Syndromes, Hereditary; Hereditary neoplastic syndrome; Hereditary Cancer Syndrome. Identifiers: Orphanet 140162, MedGen C0027672, MeSH D009386, MONDO:0015356.
Tuberous sclerosis syndrome (TSC). Also called: Tuberous Sclerosis Complex; Tuberous sclerosis. Identifiers: Orphanet 805, MedGen C0041341, MONDO:0001734.
Tuberous sclerosis 2 (TSC2). Identifiers: Orphanet 805, MedGen C1860707, MONDO:0013199, OMIM 613254.

Submissions (12):

CeGaT Center for Human Genetics Tuebingen
Classification: Likely benign. Last evaluated: 2026-07-01. Review status: criteria provided, single submitter. Criteria: CeGaT Center For Human Genetics Tuebingen Variant Classification Criteria Version 2. Collection method: clinical testing. Allele origin: germline. Affected: yes. Observed: 39 variant alleles.
Comment: TSC2: PP3, BS1

Labcorp Genetics (formerly Invitae), Labcorp
Classification: Benign for Tuberous sclerosis 2. Last evaluated: 2026-02-03. Review status: criteria provided, single submitter. Criteria: Invitae Variant Classification Sherloc (09022015). Collection method: clinical testing. Allele origin: germline.

Blueprint Genetics
Classification: Likely benign. Last evaluated: 2024-11-26. Review status: criteria provided, single submitter. Criteria: ACMG Guidelines, 2015. Collection method: clinical testing. Allele origin: germline.

Johns Hopkins Genomics, Johns Hopkins University
Classification: Benign for Tuberous sclerosis 2. Last evaluated: 2024-06-26. Review status: criteria provided, single submitter. Criteria: ACMG Guidelines, 2015. Collection method: clinical testing. Allele origin: germline.
Comment: BS1, BS2

ARUP Laboratories, Molecular Genetics and Genomics, ARUP Laboratories
Classification: Benign. Last evaluated: 2023-10-13. Review status: criteria provided, single submitter. Criteria: ARUP Molecular Germline Variant Investigation Process 2024. Collection method: clinical testing. Allele origin: germline.

Color Diagnostics, LLC DBA Color Health
Classification: Benign for Tuberous sclerosis syndrome. Last evaluated: 2022-09-20. Review status: criteria provided, single submitter. Criteria: ACMG Guidelines, 2015. Collection method: clinical testing. Allele origin: germline.

Sema4
Classification: Likely benign for Hereditary cancer-predisposing syndrome. Last evaluated: 2021-04-05. Review status: criteria provided, single submitter. Criteria: Sema4 Curation Guidelines. Collection method: curation. Allele origin: germline.

Mendelics
Classification: Likely benign for Tuberous sclerosis 2. Last evaluated: 2019-05-28. Review status: criteria provided, single submitter. Criteria: Mendelics Assertion Criteria 2017. Collection method: clinical testing. Allele origin: unknown.

Laboratory for Molecular Medicine, Mass General Brigham Personalized Medicine
Classification: Likely benign. Last evaluated: 2016-03-28. Review status: criteria provided, single submitter. Criteria: LMM Criteria. Collection method: clinical testing. Allele origin: germline.
Comment: Variant identified in a genome or exome case(s) and assessed due to predicted null impact of the variant or pathogenic assertions in the literature or databases. Disclaimer: This variant has not undergone full assessment. The following are preliminary notes: Intronic del, ExAC: 0.4% (32/8548) East Asian chromosomes; No assertions in clinvar

GeneDx
Classification: Likely benign. Last evaluated: 2015-10-28. Review status: criteria provided, single submitter. Criteria: GeneDx Variant Classification (06012015). Collection method: clinical testing. Allele origin: germline. Affected: yes.
Comment: This variant is considered likely benign or benign based on one or more of the following criteria: it is a conservative change, it occurs at a poorly conserved position in the protein, it is predicted to be benign by multiple in silico algorithms, and/or has population frequency not consistent with disease.

Tuberous sclerosis database (TSC2)
No classification provided. Condition: TSC. Review status: no classification provided. Criteria: Tuberous Sclerosis Database Assertion Criteria 2015. Collection method: curation. Allele origin: germline. Affected: yes. Not counted in ClinVar's aggregate classification.

Tuberous sclerosis database (TSC2)
No classification provided. Condition: TSC. Review status: flagged submission. Criteria: Tuberous Sclerosis Database Assertion Criteria 2015. Collection method: curation. Allele origin: germline. Affected: yes. Not counted in ClinVar's aggregate classification.
ClinVar note: Reason: This record appears to be redundant with a more recent record from the same submitter.
ClinVar note: Notes: SCV000067096 appears to be redundant with SCV000083485.